The following is an entry in ClinVar:

NM_001184.4(ATR):c.347G>C (p.Cys116Ser)

Gene: ATR (ATR checkpoint kinase; minus strand). Cytogenetic location: 3q23.
Variant type: single nucleotide variant.
Coding change: c.347G>C on transcript NM_001184.4 (MANE Select); coding-DNA position 347, G replaced by C.
Protein change: p.Cys116Ser; replaces cysteine 116 with serine.
Molecular consequence: missense variant.
Genome position (GRCh38, 1-based): chr3:142,563,055, C>G on the plus strand (G>C on the coding strand, the complement: ATR is on the minus strand). VCF-style: chr3-142563055-C-G. GRCh37 (hg19) VCF-style: chr3-142281897-C-G.
Other names: c.347G>C, p.Cys116Ser (NM_001354579.2); short protein forms C116S.
Identifiers: ClinVar variation 2154486 (VCV002154486.1), dbSNP rs1158349298, ClinGen allele CA354827355.
Genomic context (GRCh38, chr3:142,563,055, plus strand): 5'-CTTTTAAAAAGAAATAATAATGAACAGATGACTTCACAGATTTTCTTGTGTAACAAATGA[C>G]AGGAGGGAGTTGCTGCAATCCGCAGAAGTCTCGTTATGATCCAATTACTGAATTCTTTGA-3'
Protein context (NP_001175.2, residues 106-126): RLLRIAATPS[Cys116Ser]HLLHKKICEV

ClinVar aggregate classification (germline): Uncertain significance (1 of 4 stars; one submission).

Allele frequency attached by ClinVar (database versions not stated): gnomAD exomes 0.00004.
gnomAD v4.1: 60 of 1,600,686 alleles (0.0037%); highest among the groups gnomAD compares: Non-Finnish European, 0.005%; no homozygotes.

Submission:

Labcorp Genetics (formerly Invitae), Labcorp
Classification: Uncertain significance. Last evaluated: 2022-02-02. Review status: criteria provided, single submitter. Criteria: Invitae Variant Classification Sherloc (09022015). Collection method: clinical testing. Allele origin: germline.
Comment: This sequence change replaces cysteine, which is neutral and slightly polar, with serine, which is neutral and polar, at codon 116 of the ATR protein (p.Cys116Ser). This variant is present in population databases (no rsID available, gnomAD 0.0009%). This missense change has been observed in individual(s) with single suture craniosynostosis (PMID: 29168297). Algorithms developed to predict the effect of missense changes on protein structure and function are either unavailable or do not agree on the potential impact of this missense change (SIFT: "Tolerated"; PolyPhen-2: "Probably Damaging"; Align-GVGD: "Class C0"). In summary, the available evidence is currently insufficient to determine the role of this variant in disease. Therefore, it has been classified as a Variant of Uncertain Significance.

Literature cited by the submitters: PubMed 29168297.